The following is an entry in ClinVar:

NM_012452.3(TNFRSF13B):c.445+25A>C

Gene: TNFRSF13B (TNF receptor superfamily member 13B; minus strand). Cytogenetic location: 17p11.2.
Variant type: single nucleotide variant.
Coding change: c.445+25A>C on transcript NM_012452.3 (MANE Select); 25 bases into the intron after coding-DNA position 445, A replaced by C.
Molecular consequence: intron variant.
Genome position (GRCh38, 1-based): chr17:16,948,713, T>G on the plus strand (A>C on the coding strand, the complement: TNFRSF13B is on the minus strand). VCF-style: chr17-16948713-T-G. GRCh37 (hg19) VCF-style: chr17-16852027-T-G.
Identifiers: ClinVar variation 440341 (VCV000440341.18), dbSNP rs2274892, ClinGen allele CA8414004.

ClinVar aggregate classification (germline): Benign. Review status: criteria provided, multiple submitters, no conflicts (2 of 4 stars). 5 submissions from 5 submitters: Benign (5). Last evaluated 2024-01-24.

Conditions:
Immunodeficiency, common variable, 2 (CVID2). Also called: ANTIBODY DEFICIENCY DUE TO TACI DEFECT; HYPOGAMMAGLOBULINEMIA DUE TO TACI DEFICIENCY. Identifiers: Orphanet 1572, MedGen C3150354, MONDO:0009413, OMIM 240500.

Allele frequency attached by ClinVar (database versions not stated): ESP Exome Variant Server 0.35576; gnomAD 0.36431 and 0.35819; TOPMed 0.36826; 1000 Genomes Project 30x 0.40350; 1000 Genomes Project 0.40635.
gnomAD v4.1: 606,828 of 1,612,792 alleles (38%); highest among the groups gnomAD compares: East Asian, 65%; 117,095 homozygotes.

Submissions (5):

Unidad de Genómica Garrahan, Hospital de Pediatría Garrahan
Classification: Benign. Last evaluated: 2024-01-24. Review status: criteria provided, single submitter. Criteria: ACMG Guidelines, 2015. Collection method: clinical testing. Allele origin: germline. Affected: no. Observed: 60 variant alleles.
Comment: This variant is classified as Benign based on local population frequency. This variant was detected in 63% of patients studied by a panel of primary immunodeficiencies. Number of patients: 60. Only high quality variants are reported.

Genome-Nilou Lab
Classification: Benign for Immunodeficiency, common variable, 2. Last evaluated: 2021-09-10. Review status: criteria provided, single submitter. Criteria: ACMG Guidelines, 2015. Collection method: clinical testing. Allele origin: germline. Affected: no.

ARUP Laboratories, Molecular Genetics and Genomics, ARUP Laboratories
Classification: Benign. Last evaluated: 2019-11-04. Review status: criteria provided, single submitter. Criteria: ARUP Molecular Germline Variant Investigation Process. Collection method: clinical testing. Allele origin: germline.

GeneDx
Classification: Benign. Last evaluated: 2018-11-12. Review status: criteria provided, single submitter. Criteria: GeneDx Variant Classification Process June 2021. Collection method: clinical testing. Allele origin: germline. Affected: yes.

Breakthrough Genomics
Classification: Benign. Review status: criteria provided, single submitter. Criteria: ACMG Guidelines, 2015. Collection method: not provided. Allele origin: germline. Inheritance: Autosomal recessive inheritance. Affected: yes.